The following is an entry in ClinVar:

NM_000039.3(APOA1):c.730C>T (p.Pro244Ser)

Gene: APOA1 (apolipoprotein A1; minus strand). Cytogenetic location: 11q23.3.
Variant type: single nucleotide variant.
Coding change: c.730C>T on transcript NM_000039.3 (MANE Select); coding-DNA position 730, C replaced by T.
Protein change: p.Pro244Ser; replaces proline 244 with serine.
Molecular consequence: missense variant.
Genome position (GRCh38, 1-based): chr11:116,835,882, G>A on the plus strand (C>T on the coding strand, the complement: APOA1 is on the minus strand). VCF-style: chr11-116835882-G-A. GRCh37 (hg19) VCF-style: chr11-116706598-G-A.
Other names: c.730C>T, p.Pro244Ser (NM_001318017.2, NM_001318018.2, NM_001425090.1); c.403C>T, p.Pro135Ser (NM_001318021.2, NM_001425091.1, NM_001425092.1); c.685C>T, p.Pro229Ser (NM_001425093.1); short protein forms P244S, P229S, P135S.
Identifiers: ClinVar variation 5026402 (VCV005026402.1).

ClinVar aggregate classification (germline): Uncertain significance (1 of 4 stars; one submission).

Conditions:
Cardiovascular phenotype. Identifiers: MedGen CN230736.

Submission:

Ambry Genetics
Classification: Uncertain significance for Cardiovascular phenotype. Last evaluated: 2026-06-22. Review status: criteria provided, single submitter. Criteria: Ambry Variant Classification Scheme 2023. Collection method: clinical testing. Allele origin: germline.
Comment: The p.P244S variant (also known as c.730C>T), located in coding exon 3 of the APOA1 gene, results from a C to T substitution at nucleotide position 730. The proline at codon 244 is replaced by serine, an amino acid with similar properties. This amino acid position is conserved. In addition, the in silico prediction for this alteration is inconclusive. Based on the available evidence, the clinical significance of this variant remains unclear.